The following is an entry in ClinVar:

NM_001040108.2(MLH3):c.2771A>G (p.Asn924Ser)

Gene: MLH3 (mutL homolog 3; minus strand). Cytogenetic location: 14q24.3.
Variant type: single nucleotide variant.
Coding change: c.2771A>G on transcript NM_001040108.2 (MANE Select); coding-DNA position 2771, A replaced by G.
Protein change: p.Asn924Ser; replaces asparagine 924 with serine.
Molecular consequence: missense variant.
Genome position (GRCh38, 1-based): chr14:75,046,885, T>C on the plus strand (A>G on the coding strand, the complement: MLH3 is on the minus strand). VCF-style: chr14-75046885-T-C. GRCh37 (hg19) VCF-style: chr14-75513588-T-C.
Other names: c.2771A>G, p.Asn924Ser (NM_014381.3); short protein forms N924S.
Identifiers: ClinVar variation 2448642 (VCV002448642.2), dbSNP rs2503261510, ClinGen allele CA390438601.

ClinVar aggregate classification (germline): Uncertain significance (1 of 4 stars; one submission).

Submission:

Ambry Genetics
Classification: Uncertain significance. Last evaluated: 2023-01-01. Review status: criteria provided, single submitter. Criteria: Ambry Variant Classification Scheme 2023. Collection method: clinical testing. Allele origin: germline.
Comment: The p.N924S variant (also known as c.2771A>G), located in coding exon 1 of the MLH3 gene, results from an A to G substitution at nucleotide position 2771. The asparagine at codon 924 is replaced by serine, an amino acid with highly similar properties. This amino acid position is conserved. In addition, this alteration is predicted to be tolerated by in silico analysis. Since supporting evidence is limited at this time, the clinical significance of this alteration remains unclear.